The following is an entry in ClinVar:

NM_201384.3(PLEC):c.10444C>G (p.Arg3482Gly)

Gene: PLEC (plectin; minus strand). Cytogenetic location: 8q24.3.
Variant type: single nucleotide variant.
Coding change: c.10444C>G on transcript NM_201384.3 (MANE Select); coding-DNA position 10444, C replaced by G.
Protein change: p.Arg3482Gly; replaces arginine 3482 with glycine.
Molecular consequence: missense variant.
Genome position (GRCh38, 1-based): chr8:143,919,377, G>C on the plus strand (C>G on the coding strand, the complement: PLEC is on the minus strand). VCF-style: chr8-143919377-G-C. GRCh37 (hg19) VCF-style: chr8-144993545-G-C.
Other names: c.10456C>G, p.Arg3486Gly (NM_201383.3); c.10525C>G, p.Arg3509Gly (NM_000445.5); c.7144C>G, p.Arg2382Gly (NM_001410941.1); c.10402C>G, p.Arg3468Gly (NM_201378.4); c.10378C>G, p.Arg3460Gly (NM_201379.3); c.10855C>G, p.Arg3619Gly (NM_201380.4); c.10348C>G, p.Arg3450Gly (NM_201381.3); c.10444C>G, p.Arg3482Gly (NM_201382.4); short protein forms R3460G, R3468G, R3619G, R2382G, R3486G, R3509G, R3450G, R3482G.
Identifiers: ClinVar variation 4793410 (VCV004793410.1).

ClinVar aggregate classification (germline): Uncertain significance (1 of 4 stars; one submission).

Conditions:
Epidermolysis bullosa simplex 5B, with muscular dystrophy (EBS5B). Also called: EPIDERMOLYSIS BULLOSA SIMPLEX AND LIMB-GIRDLE MUSCULAR DYSTROPHY; Epidermolysis bullosa simplex with muscular dystrophy. Identifiers: Orphanet 257, MedGen C2931072, MONDO:0009181, OMIM 226670.
Epidermolysis bullosa simplex, Ogna type (EBS5A). Also called: Pidermolysis bullosa simplex 5A, Ogna type; EPIDERMOLYSIS BULLOSA SIMPLEX 5A, OGNA TYPE. Identifiers: Orphanet 79401, MedGen C0432317, MONDO:0007555, OMIM 131950.
Epidermolysis bullosa simplex 5C, with pyloric atresia (EBS5C). Also called: Epidermolysis bullosa simplex with pyloric atresia; PLEC-Related Epidermolysis Bullosa with Pyloric Atresia; PLEC1-Related Epidermolysis Bullosa with Pyloric Atresia. Identifiers: Orphanet 158684, MedGen C2677349, MONDO:0012807, OMIM 612138.
Autosomal recessive limb-girdle muscular dystrophy type 2Q (LGMDR17). Also called: MUSCULAR DYSTROPHY, LIMB-GIRDLE, AUTOSOMAL RECESSIVE 17. Identifiers: Orphanet 254361, MedGen C3150989, MONDO:0013390, OMIM 613723.
Epidermolysis bullosa simplex with nail dystrophy (EBS5D). Identifiers: MedGen C4225309, MONDO:0014661, OMIM 616487.

Submission:

Labcorp Genetics (formerly Invitae), Labcorp
Classification: Uncertain significance for Autosomal recessive limb-girdle muscular dystrophy type 2Q; Epidermolysis bullosa simplex, Ogna type; Epidermolysis bullosa simplex with nail dystrophy; Epidermolysis bullosa simplex 5C, with pyloric atresia; Epidermolysis bullosa simplex 5B, with muscular dystrophy. Last evaluated: 2025-04-10. Review status: criteria provided, single submitter. Criteria: Invitae Variant Classification Sherloc (09022015). Collection method: clinical testing. Allele origin: germline.
Comment: This sequence change replaces arginine, which is basic and polar, with glycine, which is neutral and non-polar, at codon 3509 of the PLEC protein (p.Arg3509Gly). This variant is not present in population databases (gnomAD no frequency). This variant has not been reported in the literature in individuals affected with PLEC-related conditions. Invitae Evidence Modeling of protein sequence and biophysical properties (such as structural, functional, and spatial information, amino acid conservation, physicochemical variation, residue mobility, and thermodynamic stability) indicates that this missense variant is not expected to disrupt PLEC protein function with a negative predictive value of 80%. In summary, the available evidence is currently insufficient to determine the role of this variant in disease. Therefore, it has been classified as a Variant of Uncertain Significance.